The following is an entry in ClinVar:

NM_001005373.4(LRSAM1):c.1267G>T (p.Glu423Ter)

Gene: LRSAM1 (leucine rich repeat and sterile alpha motif containing 1; plus strand). Cytogenetic location: 9q33.3.
Variant type: single nucleotide variant.
Coding change: c.1267G>T on transcript NM_001005373.4 (MANE Select); coding-DNA position 1267, G replaced by T.
Protein change: p.Glu423Ter; replaces glutamic acid 423 with a stop codon.
Molecular consequence: nonsense. On other transcripts: non-coding transcript variant (2).
Genome position (GRCh38, 1-based): chr9:127,487,683, G>T. VCF-style: chr9-127487683-G-T. GRCh37 (hg19) VCF-style: chr9-130249962-G-T.
Other names: c.1267G>T, p.Glu423Ter (NM_001005374.4, NM_001190723.3, NM_001384142.1 and 2 more transcripts); c.478G>T, p.Glu160Ter (NM_001384144.1); short protein forms E160*, E423*.
Identifiers: ClinVar variation 1764498 (VCV001764498.2), dbSNP rs767351229, ClinGen allele CA374932630.

ClinVar aggregate classification (germline): Pathogenic (1 of 4 stars; one submission).

Conditions:
Inborn genetic diseases. Identifiers: MedGen C0950123, MeSH D030342.

Submission:

Ambry Genetics
Classification: Pathogenic for Inborn genetic diseases. Last evaluated: 2019-12-06. Review status: criteria provided, single submitter. Criteria: Ambry Variant Classification Scheme 2023. Collection method: clinical testing. Allele origin: germline.
Comment: The p.E423* pathogenic mutation (also known as c.1267G>T), located in coding exon 16 of the LRSAM1 gene, results from a G to T substitution at nucleotide position 1267. This changes the amino acid from a glutamic acid to a stop codon within coding exon 16. This alteration is expected to result in loss of function by premature protein truncation or nonsense-mediated mRNA decay. Biallelic loss of function alterations in LRSAM1 have been associated with autosomal recessive disease; however, haploinsufficiency for LRSAM1 has not been clearly established as a mechanism of disease for autosomal dominant disease. Therefore, this alteration is interpreted as a pathogenic mutation for autosomal recessive inheritance.